The following is an entry in ClinVar:

ClinVar aggregate classification (germline): Uncertain significance (1 of 4 stars; one submission).

Submission:

Women's Health and Genetics/Laboratory Corporation of America, LabCorp
Classification: Uncertain significance. Last evaluated: 2025-12-30. Review status: criteria provided, single submitter. Criteria: LabCorp Variant Classification Summary - May 2015. Collection method: clinical testing. Allele origin: germline.
Comment: Variant summary: NPC1 c.1604G>T (p.Gly535Val) results in a non-conservative amino acid change in the encoded protein sequence. Algorithms developed to predict the effect of missense changes on protein structure and function all suggest that this variant is likely to be disruptive. The variant was absent in 251206 control chromosomes. The available data on variant occurrences in the general population are insufficient to allow any conclusion about variant significance. c.1604G>T has been observed as a biallelic compound heterozygous genotype in at-least one individual(s) affected with clinically diagnosed Niemann-Pick Disease Type C via cytochemical demonstration of pathologically enriched cholesterol via filipin staining (Macias-Vidal_2009). To our knowledge, no experimental evidence demonstrating an impact on protein function has been reported. The following publication have been ascertained in the context of this evaluation (PMID: 19223215). No submitters have cited clinical-significance assessments for this variant to ClinVar. Based on the evidence outlined above, the variant was classified as uncertain significance.

Literature cited by the submitters: PubMed 19223215.

NM_000271.5(NPC1):c.1604G>T (p.Gly535Val)

Gene: NPC1 (NPC intracellular cholesterol transporter 1; minus strand). Cytogenetic location: 18q11.2.
Variant type: single nucleotide variant.
Coding change: c.1604G>T on transcript NM_000271.5 (MANE Select); coding-DNA position 1604, G replaced by T.
Protein change: p.Gly535Val; replaces glycine 535 with valine.
Molecular consequence: missense variant.
Genome position (GRCh38, 1-based): chr18:23,551,677, C>A on the plus strand (G>T on the coding strand, the complement: NPC1 is on the minus strand). VCF-style: chr18-23551677-C-A. GRCh37 (hg19) VCF-style: chr18-21131641-C-A.
Other names: short protein forms G535V.
Identifiers: ClinVar variation 4688495 (VCV004688495.1).